The following is an entry in ClinVar:

NM_001999.4(FBN2):c.1123T>C (p.Cys375Arg)

Gene: FBN2 (fibrillin 2; minus strand). Cytogenetic location: 5q23.3.
Variant type: single nucleotide variant.
Coding change: c.1123T>C on transcript NM_001999.4 (MANE Select); coding-DNA position 1123, T replaced by C.
Protein change: p.Cys375Arg; replaces cysteine 375 with arginine.
Molecular consequence: missense variant.
Genome position (GRCh38, 1-based): chr5:128,395,230, A>G on the plus strand (T>C on the coding strand, the complement: FBN2 is on the minus strand). VCF-style: chr5-128395230-A-G. GRCh37 (hg19) VCF-style: chr5-127730923-A-G.
Other names: short protein forms C375R.
Identifiers: ClinVar variation 213268 (VCV000213268.3), dbSNP rs771054241, ClinGen allele CA321643.

ClinVar aggregate classification (germline): Uncertain significance (1 of 4 stars; one submission).

Submission:

GeneDx
Classification: Uncertain significance. Last evaluated: 2020-01-10. Review status: criteria provided, single submitter. Criteria: GeneDx Variant Classification Process June 2021. Collection method: clinical testing. Allele origin: germline. Affected: yes.
Comment: Not observed in large population cohorts (Lek et al., 2016); In silico analysis, which includes protein predictors and evolutionary conservation, supports a deleterious effect; Reported in published literature (Retterer et al., 2016) in an individual with abnormality of the cardiovascular system; This variant is associated with the following publications: (PMID: 26633542)